The following is an entry in ClinVar:

ClinVar aggregate classification (germline): Conflicting classifications of pathogenicity. Review status: criteria provided, conflicting classifications (1 of 4 stars). 15 submissions from 15 submitters: Uncertain significance (12); Likely benign (2). 1 of the submissions does not count toward it. Last evaluated 2026-05-12.

Conditions:
ATM-related disorder. Also called: ATM-related disorders; ATM-related condition.
Hereditary cancer-predisposing syndrome. Also called: Tumor predisposition; Neoplastic Syndromes, Hereditary; Hereditary Cancer Syndrome; Hereditary neoplastic syndrome. Identifiers: Orphanet 140162, MedGen C0027672, MeSH D009386, MONDO:0015356.
Familial cancer of breast. Also called: hereditary breast carcinoma; BREAST CANCER, FAMILIAL; Hereditary breast cancer. Identifiers: Orphanet 227535, MedGen C0346153, MONDO:0016419, OMIM 114480. Disease mechanism: loss of function.
Ataxia-telangiectasia syndrome (AT). Also called: LOUIS-BAR SYNDROME; Ataxia-telangiectasia, complementation group D; Ataxia telangiectasia (A-T); AT, COMPLEMENTATION GROUP C; ATAXIA-TELANGIECTASIA, COMPLEMENTATION GROUP A; ATAXIA-TELANGIECTASIA, FRESNO VARIANT. Identifiers: Orphanet 100, MedGen C0004135, MONDO:0008840, OMIM 208900.

Allele frequency attached by ClinVar (database versions not stated): gnomAD exomes 0.00001; ExAC 0.00002; gnomAD 0.00002 and 0.00003; TOPMed 0.00005; 1000 Genomes Project 0.00020; 1000 Genomes Project 30x 0.00031.
gnomAD v4.1: 27 of 1,613,926 alleles (0.0017%); highest among the groups gnomAD compares: Admixed American, 0.005%; no homozygotes.

Submissions (15):

PreventionGenetics, part of Exact Sciences
Classification: Uncertain significance for ATM-related condition. Last evaluated: 2026-05-12. Review status: criteria provided, single submitter. Criteria: ACMG Guidelines, 2015. Collection method: clinical testing. Allele origin: germline.
Comment: The ATM c.5612C>T variant is predicted to result in the amino acid substitution p.Thr1871Ile. This variant has been reported in individuals undergoing Lynch syndrome genetic testing and in individuals with various cancers including prostate, breast, or pancreatic cancer (Table S2, Yurgelun et al. 2015. PubMed ID: 25980754; Supplemental Data, Breast Cancer Association et al. 2021. PubMed ID: 33471991; Table S4, Karlsson et al. 2021. PubMed ID: 33436325; Table S2, Rodrigues et al. 2024. PubMed ID: 39256447). This variant is reported in 0.0080% of alleles in individuals of African descent in gnomAD and has conflicting interpretations in ClinVar ranging from uncertain significance to likely benign (Variation ID: 188339). At this time, the clinical significance of this variant is uncertain due to the absence of conclusive functional and genetic evidence.

Labcorp Genetics (formerly Invitae), Labcorp
Classification: Likely benign for Ataxia-telangiectasia syndrome. Last evaluated: 2026-01-18. Review status: criteria provided, single submitter. Criteria: Invitae Variant Classification Sherloc (09022015). Collection method: clinical testing. Allele origin: germline.

Women's Health and Genetics/Laboratory Corporation of America, LabCorp
Classification: Uncertain significance. Last evaluated: 2025-10-27. Review status: criteria provided, single submitter. Criteria: LabCorp Variant Classification Summary - May 2015. Collection method: clinical testing. Allele origin: germline.
Comment: Variant summary: ATM c.5612C>T (p.Thr1871Ile) results in a non-conservative amino acid change in the encoded protein sequence. Algorithms developed to predict the effect of missense changes on protein structure and function are either unavailable or do not agree on the potential impact of this missense change. The variant allele was found at a frequency of 1.2e-05 in 250708 control chromosomes. The available data on variant occurrences in the general population are insufficient to allow any conclusion about variant significance. c.5612C>T has been reported in the literature in at least one individual undergoing Lynch syndrome testing (Yurgelun_2015) and in individuals with various other cancers including but not limited to prostate cancer (Karlsson_2021, Paulo_2018), chronic lymphocytic leukemia (Petrackova_2022, Tiao_2017) and astrocytoma (Muskens_2020), without strong evidence for or against pathogenicity. These reports do not provide unequivocal conclusions about association of the variant with breast or prostate cancer. To our knowledge, no experimental evidence demonstrating an impact on protein function has been reported. The following publications have been ascertained in the context of this evaluation (PMID: 30543347, 33436325, 30824826, 31970404, 29659569, 36029002, 28652578, 33742106, 25980754, 39256447). ClinVar contains an entry for this variant (Variation ID: 188339). Based on the evidence outlined above, the variant was classified as uncertain significance.

Quest Diagnostics Nichols Institute San Juan Capistrano
Classification: Uncertain significance. Last evaluated: 2025-05-29. Review status: criteria provided, single submitter. Criteria: Quest Diagnostics criteria. Collection method: clinical testing. Allele origin: unknown.

CeGaT Center for Human Genetics Tuebingen
Classification: Likely benign. Last evaluated: 2025-04-01. Review status: criteria provided, single submitter. Criteria: CeGaT Center For Human Genetics Tuebingen Variant Classification Criteria Version 2. Collection method: clinical testing. Allele origin: germline. Affected: yes. Observed: 1 variant allele.
Comment: ATM: BP2, BP4

Color Diagnostics, LLC DBA Color Health
Classification: Uncertain significance for Hereditary cancer-predisposing syndrome. Last evaluated: 2024-12-23. Review status: criteria provided, single submitter. Criteria: ACMG Guidelines, 2015. Collection method: clinical testing. Allele origin: germline.
Comment: This missense variant replaces threonine with isoleucine at codon 1871 of the ATM protein. Computational prediction suggests that this variant may not impact protein structure and function. To our knowledge, functional studies have not been reported for this variant. This variant has been reported in an individuals affected with Lynch syndrome-associated cancer and/or polyps. (PMID: 25980754), prostate cancer (PMID: 33436325), or chronic lymphocytic leukemia (DOI: 10.1182/blood-2022-163391). This variant has been identified in 4/282094 chromosomes in the general population by the Genome Aggregation Database (gnomAD). The available evidence is insufficient to determine the role of this variant in disease conclusively. Therefore, this variant is classified as a Variant of Uncertain Significance.

Institute for Biomarker Research, Medical Diagnostic Laboratories, L.L.C.
Classification: Uncertain significance for Hereditary cancer-predisposing syndrome. Last evaluated: 2024-11-05. Review status: criteria provided, single submitter. Criteria: ACMG Guidelines, 2015. Collection method: clinical testing. Allele origin: germline.
Comment: The missense variant NM_000051.4(ATM):c.5612C>T (p.Thr1871Ile) has not been reported previously as a pathogenic variant nor as a benign variant, to our knowledge. The variant is observed in one or more well-documented healthy adults. There is a moderate physicochemical difference between threonine and isoleucine. The gene ATM has a low rate of benign missense variation as indicated by a high missense variants Z-Score of 2.52. The gene ATM contains 170 pathogenic missense variants, indicating that missense variants are a common mechanism of disease in this gene. For these reasons, this variant has been classified as Uncertain Significance.

Ambry Genetics
Classification: Uncertain significance for Hereditary cancer-predisposing syndrome. Last evaluated: 2024-10-29. Review status: criteria provided, single submitter. Criteria: Ambry Variant Classification Scheme 2023. Collection method: clinical testing. Allele origin: germline.
Comment: The p.T1871I variant (also known as c.5612C>T), located in coding exon 36 of the ATM gene, results from a C to T substitution at nucleotide position 5612. The threonine at codon 1871 is replaced by isoleucine, an amino acid with similar properties. This variant was reported in 1/5560 prostate cancer cases and in 0/3353 controls of European ancestry (Karlsson Q et al. Eur Urol Oncol, 2021 08;4:570-579). This variant was also observed in 1/192 Brazilian pancreatic adenocarcinoma patients unselected for family history of cancer (Rodrigues LM et al. Sci Rep, 2024 Sep;14:21083).This amino acid position is well conserved in available vertebrate species. In addition, this alteration is predicted to be tolerated by in silico analysis. Since supporting evidence is limited at this time, the clinical significance of this alteration remains unclear.

GeneDx
Classification: Uncertain significance. Last evaluated: 2024-09-03. Review status: criteria provided, single submitter. Criteria: GeneDx Variant Classification Process June 2021. Collection method: clinical testing. Allele origin: germline. Affected: yes.
Comment: Not observed at significant frequency in large population cohorts (gnomAD); In silico analysis supports that this missense variant has a deleterious effect on protein structure/function; Observed in individuals with prostate cancer or suspected Lynch syndrome (PMID: 25980754, 29659569, 33436325); This variant is associated with the following publications: (PMID: 29659569, 25980754, 33436325, 36029002)

Baylor Genetics
Classification: Uncertain significance for Familial cancer of breast. Last evaluated: 2024-03-19. Review status: criteria provided, single submitter. Criteria: ACMG Guidelines, 2015. Collection method: clinical testing. Allele origin: unknown.

Blueprint Genetics
Classification: Uncertain significance. Last evaluated: 2023-08-16. Review status: criteria provided, single submitter. Criteria: ACMG Guidelines, 2015. Collection method: clinical testing. Allele origin: germline.

Sema4
Classification: Uncertain significance for Hereditary cancer-predisposing syndrome. Last evaluated: 2022-02-16. Review status: criteria provided, single submitter. Criteria: Sema4 Curation Guidelines. Collection method: curation. Allele origin: germline.
Comment: The ATM c.5612C>T (p.T1871I) variant has been reported in at least 4 individuals with breast cancer, prostate cancer, or Lynch Syndrome (PMIDs 33471991, 33436325, 29659569, 25980754). This variant was observed in 4/282094 chromosomes in the large and broad cohorts of the Genome Aggregation Database (PMID: 32461654). This variant has been reported in ClinVar (Variation ID 188339). Functional studies have not been performed and in silico tool predictions of the variants effect on protein function are benign. The overall evidence is insufficient to meet ACMG/AMP criteria for classifying it as benign or pathogenic. In summary, the clinical significance of this variant is currently uncertain.

Mendelics
Classification: Uncertain significance for Ataxia-telangiectasia syndrome. Last evaluated: 2019-05-28. Review status: criteria provided, single submitter. Criteria: Mendelics Assertion Criteria 2017. Collection method: clinical testing. Allele origin: unknown.

Athena Diagnostics
Classification: Uncertain significance. Last evaluated: 2018-10-02. Review status: criteria provided, single submitter. Criteria: Athena Diagnostics Criteria. Collection method: clinical testing. Allele origin: germline.

Natera, Inc.
Classification: Uncertain significance for Ataxia-telangiectasia. Last evaluated: 2020-03-09. Review status: no assertion criteria provided. Collection method: clinical testing. Allele origin: germline. Not counted in ClinVar's aggregate classification.

Literature cited by the submitters: PubMed 25980754 (cited by 3 submitters); PubMed 28652578 (cited by Women's Health and Genetics/Laboratory Corporation of America, LabCorp); PubMed 29659569 (cited by Women's Health and Genetics/Laboratory Corporation of America, LabCorp and Athena Diagnostics); PubMed 30543347 (cited by Women's Health and Genetics/Laboratory Corporation of America, LabCorp); PubMed 33436325 (cited by 3 submitters); PubMed 31970404 (cited by Women's Health and Genetics/Laboratory Corporation of America, LabCorp); PubMed 33742106 (cited by Women's Health and Genetics/Laboratory Corporation of America, LabCorp); PubMed 36029002 (cited by Women's Health and Genetics/Laboratory Corporation of America, LabCorp); PubMed 30824826 (cited by Women's Health and Genetics/Laboratory Corporation of America, LabCorp); PubMed 39256447 (cited by Women's Health and Genetics/Laboratory Corporation of America, LabCorp and Ambry Genetics).

NM_000051.4(ATM):c.5612C>T (p.Thr1871Ile)

Gene: ATM (ATM serine/threonine kinase; plus strand). Cytogenetic location: 11q22.3.
Variant type: single nucleotide variant.
Coding change: c.5612C>T on transcript NM_000051.4 (MANE Select); coding-DNA position 5612, C replaced by T.
Protein change: p.Thr1871Ile; replaces threonine 1871 with isoleucine.
Molecular consequence: missense variant.
Genome position (GRCh38, 1-based): chr11:108,304,790, C>T. VCF-style: chr11-108304790-C-T. GRCh37 (hg19) VCF-style: chr11-108175517-C-T.
Other names: c.5612C>T, p.Thr1871Ile (NM_001351834.2); short protein forms T1871I.
Identifiers: ClinVar variation 188339 (VCV000188339.51), dbSNP rs538452060, ClinGen allele CA334655.
Genomic context (GRCh38, chr11:108,304,790, plus strand): 5'-TCCAAGATACAAATGAATCATGGAGAAATCTGCTTTCTACACATGTTCAGGGATTTTTCA[C>T]CAGCTGTCTTCGACACTTCTCGCAAACGAGCCGATCCACAACCCCTGCAAACTTGGATTC-3'
Protein context (NP_000042.3, residues 1861-1881): LLSTHVQGFF[Thr1871Ile]SCLRHFSQTS